The following is an entry in ClinVar:

ClinVar aggregate classification (germline): Uncertain significance (1 of 4 stars; one submission).

Conditions:
Temtamy syndrome (TEMTYS). Also called: MENTAL RETARDATION WITH OR WITHOUT CRANIOFACIAL DYSMORPHISM, OCULAR COLOBOMA, OR ABNORMAL CORPUS CALLOSUM. Identifiers: Orphanet 1777, MedGen C1857512, MONDO:0009033, OMIM 218340.

Submission:

Labcorp Genetics (formerly Invitae), Labcorp
Classification: Uncertain significance for Temtamy syndrome. Last evaluated: 2019-11-27. Review status: criteria provided, single submitter. Criteria: Invitae Variant Classification Sherloc (09022015). Collection method: clinical testing. Allele origin: germline.
Comment: This variant results in a copy number gain of the genomic region encompassing the full coding sequence of the C12orf57 gene. The boundaries of this event are unknown as they extend beyond the assayed region for this gene and therefore may encompass additional genes. As the precise location of this event is unknown, it may be in tandem or it may be located elsewhere in the genome. This variant has not been reported in the literature in individuals with C12orf57-related conditions. In summary, the available evidence is currently insufficient to determine the role of this variant in disease. Therefore, it has been classified as a Variant of Uncertain Significance.

NC_000012.11:g.(?_6945914)_(8248706_?)dup

Genes: GDF3 (growth differentiation factor 3; minus strand), GNB3 (G protein subunit beta 3; plus strand), LPCAT3 (lysophosphatidylcholine acyltransferase 3; minus strand), LRRC23 (leucine rich repeat containing 23; plus strand), MIR141 (microRNA 141; plus strand) and 31 more. Cytogenetic location: 12p13.31.
Variant type: Duplication.
Identifiers: ClinVar variation 830465 (VCV000830465.1).